The following is an entry in ClinVar:

NM_012470.4(TNPO3):c.1088G>A (p.Gly363Asp)

Gene: TNPO3 (transportin 3; minus strand). Cytogenetic location: 7q32.1.
Variant type: single nucleotide variant.
Coding change: c.1088G>A on transcript NM_012470.4 (MANE Select); coding-DNA position 1088, G replaced by A.
Protein change: p.Gly363Asp; replaces glycine 363 with aspartic acid.
Molecular consequence: missense variant. On other transcripts: non-coding transcript variant (17), intron variant (1).
Genome position (GRCh38, 1-based): chr7:128,997,459, C>T on the plus strand (G>A on the coding strand, the complement: TNPO3 is on the minus strand). VCF-style: chr7-128997459-C-T. GRCh37 (hg19) VCF-style: chr7-128637513-C-T.
Other names: c.1088G>A, p.Gly363Asp (NM_001191028.3, NM_001382216.1, NM_001382218.1 and 3 more transcripts); c.1169G>A, p.Gly390Asp (NM_001382217.1); c.944G>A, p.Gly315Asp (NM_001382221.1); c.1011+2970G>A (NM_001382222.1); short protein forms G315D, G390D, G363D.
Identifiers: ClinVar variation 2882691 (VCV002882691.3), dbSNP rs1483824371, ClinGen allele CA369235081.

ClinVar aggregate classification (germline): Uncertain significance (1 of 4 stars; one submission).

Conditions:
Autosomal dominant limb-girdle muscular dystrophy type 1F (LGMDD2). Also called: Limb-girdle muscular dystrophy, type 1F; MUSCULAR DYSTROPHY, LIMB-GIRDLE, AUTOSOMAL DOMINANT 2. Identifiers: Orphanet 55595, MedGen C1842062, MONDO:0012034, OMIM 608423.

Allele frequency attached by ClinVar (database versions not stated): gnomAD exomes below 0.00001; TOPMed 0.00003; gnomAD 0.00004.

Submission:

Labcorp Genetics (formerly Invitae), Labcorp
Classification: Uncertain significance for Autosomal dominant limb-girdle muscular dystrophy type 1F. Last evaluated: 2023-06-15. Review status: criteria provided, single submitter. Criteria: Invitae Variant Classification Sherloc (09022015). Collection method: clinical testing. Allele origin: germline.
Comment: This sequence change replaces glycine, which is neutral and non-polar, with aspartic acid, which is acidic and polar, at codon 363 of the TNPO3 protein (p.Gly363Asp). This variant is not present in population databases (gnomAD no frequency). In summary, the available evidence is currently insufficient to determine the role of this variant in disease. Therefore, it has been classified as a Variant of Uncertain Significance. Advanced modeling of protein sequence and biophysical properties (such as structural, functional, and spatial information, amino acid conservation, physicochemical variation, residue mobility, and thermodynamic stability) performed at Invitae indicates that this missense variant is not expected to disrupt TNPO3 protein function. This variant has not been reported in the literature in individuals affected with TNPO3-related conditions.